The following is an entry in ClinVar:

ClinVar aggregate classification (germline): Uncertain significance (1 of 4 stars; one submission).

Submission:

Dasa
Classification: Uncertain significance. Last evaluated: 2025-08-23. Review status: criteria provided, single submitter. Criteria: DASA Assertion Criteria. Collection method: clinical testing. Allele origin: germline.
Comment: NM_015178.3(RHOBTB2):c.2060A>T (p.Lys687Met) is a missense variant that results in the substitution of lysine with methionine. This variant is absent from population databases. The currently available literature and clinical evidence are not sufficient to establish a definitive association between this variant and the reported condition. Therefore, this variant is classified as a variant of uncertain significance.

NM_015178.3(RHOBTB2):c.2060A>T (p.Lys687Met)

Gene: RHOBTB2 (Rho related BTB domain containing 2; plus strand). Cytogenetic location: 8p21.3.
Variant type: single nucleotide variant.
Coding change: c.2060A>T on transcript NM_015178.3 (MANE Select); coding-DNA position 2060, A replaced by T.
Protein change: p.Lys687Met; replaces lysine 687 with methionine.
Molecular consequence: missense variant.
Genome position (GRCh38, 1-based): chr8:23,017,345, A>T. VCF-style: chr8-23017345-A-T. GRCh37 (hg19) VCF-style: chr8-22874858-A-T.
Other names: c.2126A>T, p.Lys709Met (NM_001160036.2); c.2081A>T, p.Lys694Met (NM_001160037.2); c.2060A>T, p.Lys687Met (NM_001374791.1); short protein forms K687M, K694M, K709M.
Identifiers: ClinVar variation 4881382 (VCV004881382.2).